The following is an entry in ClinVar:

NM_021625.5(TRPV4):c.1491+5G>C

Gene: TRPV4 (transient receptor potential cation channel subfamily V member 4; minus strand). Cytogenetic location: 12q24.11.
Variant type: single nucleotide variant.
Coding change: c.1491+5G>C on transcript NM_021625.5 (MANE Select); 5 bases into the intron after coding-DNA position 1491, G replaced by C.
Molecular consequence: intron variant.
Genome position (GRCh38, 1-based): chr12:109,794,324, C>G on the plus strand (G>C on the coding strand, the complement: TRPV4 is on the minus strand). VCF-style: chr12-109794324-C-G. GRCh37 (hg19) VCF-style: chr12-110232129-C-G.
Other names: c.1170+5G>C (NM_001177433.1); c.1350+5G>C (NM_001177428.1); c.1311+5G>C (NM_147204.2); c.1389+5G>C (NM_001177431.1).
Identifiers: ClinVar variation 1693451 (VCV001693451.5), dbSNP rs375360273, ClinGen allele CA6780228.

ClinVar aggregate classification (germline): Uncertain significance. Review status: criteria provided, multiple submitters, no conflicts (2 of 4 stars). 2 submissions from 2 submitters: Uncertain significance (2). Last evaluated 2024-07-24.

Conditions:
Charcot-Marie-Tooth disease axonal type 2C (HMSN2C). Also called: CHARCOT-MARIE-TOOTH DISEASE, AXONAL, AUTOSOMAL DOMINANT, TYPE 2C; Charcot-Marie-Tooth Neuropathy Type 2C; Charcot-Marie-Tooth Disease Type 2, TRPV4-Related (CMT2C). Identifiers: Orphanet 99937, MedGen C1853710, MONDO:0011633, OMIM 606071.

Allele frequency attached by ClinVar (database versions not stated): gnomAD 0.00006; ExAC 0.00002; ESP Exome Variant Server 0.00008.
gnomAD v4.1: 13 of 1,611,548 alleles (0.00081%); highest among the groups gnomAD compares: African/African-American, 0.017%; no homozygotes.

Submissions (2):

Labcorp Genetics (formerly Invitae), Labcorp
Classification: Uncertain significance for Charcot-Marie-Tooth disease axonal type 2C. Last evaluated: 2024-07-24. Review status: criteria provided, single submitter. Criteria: Invitae Variant Classification Sherloc (09022015). Collection method: clinical testing. Allele origin: germline.
Comment: This sequence change falls in intron 8 of the TRPV4 gene. It does not directly change the encoded amino acid sequence of the TRPV4 protein. It affects a nucleotide within the consensus splice site. This variant is present in population databases (rs375360273, gnomAD 0.03%). This variant has not been reported in the literature in individuals affected with TRPV4-related conditions. ClinVar contains an entry for this variant (Variation ID: 1693451). Variants that disrupt the consensus splice site are a relatively common cause of aberrant splicing (PMID: 17576681, 9536098). Algorithms developed to predict the effect of sequence changes on RNA splicing suggest that this variant may disrupt the consensus splice site. In summary, the available evidence is currently insufficient to determine the role of this variant in disease. Therefore, it has been classified as a Variant of Uncertain Significance.

GeneDx
Classification: Uncertain significance. Last evaluated: 2021-12-28. Review status: criteria provided, single submitter. Criteria: GeneDx Variant Classification Process June 2021. Collection method: clinical testing. Allele origin: germline. Affected: yes.
Comment: Intronic +5 splice site variant in a gene for which loss-of-function is a known mechanism of disease, and both splice predictors and evolutionary conservation support a deleterious effect, although in the absence of functional evidence the actual effect of this sequence change is unknown.; Has not been previously published as pathogenic or benign to our knowledge

Literature cited by the submitters: PubMed 17576681 (cited by Labcorp Genetics (formerly Invitae), Labcorp); PubMed 9536098 (cited by Labcorp Genetics (formerly Invitae), Labcorp).